The following is an entry in ClinVar:

ClinVar aggregate classification (germline): Likely benign (1 of 4 stars; one submission).

Conditions:
SCLT1-related disorder. Also called: SCLT1-related condition.

gnomAD v4.1: 7 of 1,548,740 alleles (0.00045%); highest among the groups gnomAD compares: Admixed American, 0.012%; no homozygotes.

Submission:

PreventionGenetics, part of Exact Sciences
Classification: Likely benign for SCLT1-related condition. Last evaluated: 2024-10-02. Review status: criteria provided, single submitter. Criteria: ACMG Guidelines, 2015. Collection method: clinical testing. Allele origin: germline.
Comment: This variant is classified as likely benign based on ACMG/AMP sequence variant interpretation guidelines (Richards et al. 2015 PMID: 25741868, with internal and published modifications).

NM_144643.4(SCLT1):c.*10T>C

Gene: SCLT1 (sodium channel and clathrin linker 1; minus strand). Cytogenetic location: 4q28.2.
Variant type: single nucleotide variant.
Coding change: c.*10T>C on transcript NM_144643.4 (MANE Select); 10 bases downstream of the stop codon, T replaced by C.
Molecular consequence: 3 prime UTR variant.
Genome position (GRCh38, 1-based): chr4:128,884,467, A>G on the plus strand (T>C on the coding strand, the complement: SCLT1 is on the minus strand). VCF-style: chr4-128884467-A-G. GRCh37 (hg19) VCF-style: chr4-129805622-A-G.
Identifiers: ClinVar variation 4997610 (VCV004997610.1).
Genomic context (GRCh38, chr4:128,884,467, plus strand): 5'-CCATTTCAATACACTTCTAGTCCAACTGCTTTCCCAACTCTAAAGTTCTGTGAGTGAACT[A>G]TGAATATTTTTAAATATTTTCCAGATTCATCAGGGAGGCTGCTTTTCTTCTCTGCACTGT-3'